The following is an entry in ClinVar:

ClinVar aggregate classification (germline): Uncertain significance (1 of 4 stars; one submission).

Conditions:
Glycine encephalopathy. Also called: Nonketotic hyperglycinemia; Non-ketotic hyperglycinemia. Identifiers: Orphanet 407, MedGen C0751748, MONDO:0011612, HP:0008288.

gnomAD v4.1: 20 of 1,588,556 alleles (0.0013%); highest among the groups gnomAD compares: Non-Finnish European, 0.0016%; no homozygotes.

Submission:

Labcorp Genetics (formerly Invitae), Labcorp
Classification: Uncertain significance for Glycine encephalopathy. Last evaluated: 2021-08-28. Review status: criteria provided, single submitter. Criteria: Invitae Variant Classification Sherloc (09022015). Collection method: clinical testing. Allele origin: germline.
Comment: This sequence change replaces leucine with phenylalanine at codon 418 of the GLDC protein (p.Leu418Phe). The leucine residue is highly conserved and there is a small physicochemical difference between leucine and phenylalanine. This variant is not present in population databases (ExAC no frequency). This variant has not been reported in the literature in individuals affected with GLDC-related conditions. Algorithms developed to predict the effect of missense changes on protein structure and function are either unavailable or do not agree on the potential impact of this missense change (SIFT: "Deleterious"; PolyPhen-2: "Probably Damaging"; Align-GVGD: "Class C0"). In summary, the available evidence is currently insufficient to determine the role of this variant in disease. Therefore, it has been classified as a Variant of Uncertain Significance.

NM_000170.3(GLDC):c.1254G>C (p.Leu418Phe)

Gene: GLDC (glycine decarboxylase; minus strand). Cytogenetic location: 9p24.1.
Variant type: single nucleotide variant.
Coding change: c.1254G>C on transcript NM_000170.3 (MANE Select); coding-DNA position 1254, G replaced by C.
Protein change: p.Leu418Phe; replaces leucine 418 with phenylalanine.
Molecular consequence: missense variant.
Genome position (GRCh38, 1-based): chr9:6,595,021, C>G on the plus strand (G>C on the coding strand, the complement: GLDC is on the minus strand). VCF-style: chr9-6595021-C-G. GRCh37 (hg19) VCF-style: chr9-6595021-C-G.
Other names: short protein forms L418F.
Identifiers: ClinVar variation 2043126 (VCV002043126.1), dbSNP rs940157961, ClinGen allele CA188667661.